The following is an entry in ClinVar:

NM_001077415.3(CRELD1):c.1049-283C>T

Gene: CRELD1 (CRELD disulfide isomerase 1; plus strand). Cytogenetic location: 3p25.3.
Variant type: single nucleotide variant.
Coding change: c.1049-283C>T on transcript NM_001077415.3 (MANE Select); 283 bases into the intron before coding-DNA position 1049, C replaced by T.
Molecular consequence: intron variant. On other transcripts: missense variant (3).
Genome position (GRCh38, 1-based): chr3:9,944,082, C>T. VCF-style: chr3-9944082-C-T. GRCh37 (hg19) VCF-style: chr3-9985766-C-T.
Other names: c.1229C>T, p.Thr410Met (NM_001031717.4); c.1241C>T, p.Thr414Met (NM_001374317.1, NM_001374318.1); c.965-283C>T (NM_001374319.1, NM_001374320.1); c.1049-283C>T (NM_001374316.1, NM_015513.6); c.1229C>T (NM_001031717.3); short protein forms T410M, T414M.
Identifiers: ClinVar variation 1484998 (VCV001484998.9), dbSNP rs778201596, ClinGen allele CA2247962.
Genomic context (GRCh38, chr3:9,944,082, plus strand): 5'-GGCTATATGGCAAGCAAGTCGCAAAGCTGGGATCCCAATCCAGACAGTCTGACCGTGGAA[C>T]GAGACTCATACACGTAATAAATGCTCTGCCCCCAACTTGTCCACCACATGGCCTTGGCAA-3'

ClinVar aggregate classification (germline): Uncertain significance. Review status: criteria provided, multiple submitters, no conflicts (2 of 4 stars). 2 submissions from 2 submitters: Uncertain significance (2). Last evaluated 2023-03-24.

Conditions:
Atrioventricular septal defect, susceptibility to, 2. Identifiers: MedGen C1853508, MONDO:0011650, OMIM 606217.
CRELD1-related disorder. Also called: CRELD1-related condition.

Allele frequency attached by ClinVar (database versions not stated): gnomAD 0.00001 and 0.00002; TOPMed 0.00004.
gnomAD v4.1: 28 of 795,788 alleles (0.0035%); highest among the groups gnomAD compares: Admixed American, 0.024%; no homozygotes.

Submissions (2):

PreventionGenetics, part of Exact Sciences
Classification: Uncertain significance for CRELD1-related condition. Last evaluated: 2023-03-24. Review status: criteria provided, single submitter. Criteria: ACMG Guidelines, 2015. Collection method: clinical testing. Allele origin: germline.
Comment: The CRELD1 c.1229C>T variant is predicted to result in the amino acid substitution p.Thr410Met. To our knowledge, this variant has not been reported in the literature. This variant is reported in 0.032% of alleles in individuals of Latino descent in gnomAD. At this time, the clinical significance of this variant is uncertain due to the absence of conclusive functional and genetic evidence.

Labcorp Genetics (formerly Invitae), Labcorp
Classification: Uncertain significance for Atrioventricular septal defect, susceptibility to, 2. Last evaluated: 2022-06-20. Review status: criteria provided, single submitter. Criteria: Invitae Variant Classification Sherloc (09022015). Collection method: clinical testing. Allele origin: germline.
Comment: In summary, the available evidence is currently insufficient to determine the role of this variant in disease. Therefore, it has been classified as a Variant of Uncertain Significance. Algorithms developed to predict the effect of missense changes on protein structure and function output the following: SIFT: "Deleterious"; PolyPhen-2: "Benign"; Align-GVGD: "Class C0". The methionine amino acid residue is found in multiple mammalian species, which suggests that this missense change does not adversely affect protein function. This variant has not been reported in the literature in individuals affected with CRELD1-related conditions. This variant is present in population databases (rs778201596, gnomAD 0.03%). This sequence change replaces threonine, which is neutral and polar, with methionine, which is neutral and non-polar, at codon 410 of the CRELD1 protein (p.Thr410Met).